The following is an entry in ClinVar:

NM_004036.5(ADCY3):c.2446G>A (p.Ala816Thr)

Gene: ADCY3 (adenylate cyclase 3; minus strand). Cytogenetic location: 2p23.3.
Variant type: single nucleotide variant.
Coding change: c.2446G>A on transcript NM_004036.5 (MANE Select); coding-DNA position 2446, G replaced by A.
Protein change: p.Ala816Thr; replaces alanine 816 with threonine.
Molecular consequence: missense variant. On other transcripts: intron variant (1).
Genome position (GRCh38, 1-based): chr2:24,827,595, C>T on the plus strand (G>A on the coding strand, the complement: ADCY3 is on the minus strand). VCF-style: chr2-24827595-C-T. GRCh37 (hg19) VCF-style: chr2-25050464-C-T.
Other names: c.2446G>A, p.Ala816Thr (NM_001320613.2, NM_001377132.1); c.2512G>A, p.Ala838Thr (NM_001377128.1); c.2308G>A, p.Ala770Thr (NM_001377129.1); c.1723G>A, p.Ala575Thr (NM_001377131.1); c.2173-3059G>A (NM_001377130.1); short protein forms A575T, A770T, A816T, A838T.
Identifiers: ClinVar variation 3358526 (VCV003358526.2).

ClinVar aggregate classification (germline): Uncertain significance (1 of 4 stars; one submission).

Conditions:
ADCY3-related disorder. Also called: ADCY3-related condition.

gnomAD v4.1: 2 of 1,587,628 alleles (0.00013%); highest among the groups gnomAD compares: Admixed American, 0.0035%; no homozygotes.

Submission:

PreventionGenetics, part of Exact Sciences
Classification: Uncertain significance for ADCY3-related condition. Last evaluated: 2026-07-29. Review status: criteria provided, single submitter. Criteria: ACMG Guidelines, 2015. Collection method: clinical testing. Allele origin: germline.
Comment: The ADCY3 c.2446G>A variant is predicted to result in the amino acid substitution p.Ala816Thr. To our knowledge, this variant has not been reported in the literature. This variant is reported in 0.0031% of alleles in individuals of Latino descent in gnomAD. At this time, the clinical significance of this variant is uncertain due to the absence of conclusive functional and genetic evidence.